The following is an entry in ClinVar:

ClinVar aggregate classification (germline): Uncertain significance. Review status: criteria provided, multiple submitters, no conflicts (2 of 4 stars). 2 submissions from 2 submitters: Uncertain significance (2). Last evaluated 2025-09-11.

Conditions:
Inborn genetic diseases. Identifiers: MedGen C0950123, MeSH D030342.

Allele frequency attached by ClinVar (database versions not stated): ExAC 0.00001; gnomAD 0.00001; TOPMed 0.00001; gnomAD exomes 0.00002; ESP Exome Variant Server 0.00008.
gnomAD v4.1: 29 of 1,613,910 alleles (0.0018%); highest among the groups gnomAD compares: Admixed American, 0.0033%; no homozygotes.

Submissions (2):

Ambry Genetics
Classification: Uncertain significance for Inborn genetic diseases. Last evaluated: 2025-09-11. Review status: criteria provided, single submitter. Criteria: Ambry Variant Classification Scheme 2023. Collection method: clinical testing. Allele origin: germline.

Labcorp Genetics (formerly Invitae), Labcorp
Classification: Uncertain significance. Last evaluated: 2022-07-27. Review status: criteria provided, single submitter. Criteria: Invitae Variant Classification Sherloc (09022015). Collection method: clinical testing. Allele origin: germline.
Comment: Algorithms developed to predict the effect of missense changes on protein structure and function (SIFT, PolyPhen-2, Align-GVGD) all suggest that this variant is likely to be tolerated. In summary, the available evidence is currently insufficient to determine the role of this variant in disease. Therefore, it has been classified as a Variant of Uncertain Significance. This variant has not been reported in the literature in individuals affected with AP3B2-related conditions. This sequence change replaces asparagine, which is neutral and polar, with serine, which is neutral and polar, at codon 543 of the AP3B2 protein (p.Asn543Ser). This variant is present in population databases (rs370333440, gnomAD 0.007%).

NM_001278512.2(AP3B2):c.1628A>G (p.Asn543Ser)

Genes: AP3B2 (adaptor related protein complex 3 subunit beta 2; minus strand), CPEB1-AS1 (CPEB1 antisense RNA 1; plus strand). Cytogenetic location: 15q25.2.
Variant type: single nucleotide variant.
Coding change: c.1628A>G on transcript NM_001278512.2 (MANE Select); coding-DNA position 1628, A replaced by G.
Protein change: p.Asn543Ser; replaces asparagine 543 with serine.
Molecular consequence: missense variant.
Genome position (GRCh38, 1-based): chr15:82,676,498, T>C on the plus strand (A>G on the coding strand, the complement: AP3B2 is on the minus strand). VCF-style: chr15-82676498-T-C. GRCh37 (hg19) VCF-style: chr15-83345250-T-C.
Other names: c.1532A>G, p.Asn511Ser (NM_001278511.2); c.1628A>G, p.Asn543Ser (NM_004644.5); c.1628A>G (NM_004644.3); short protein forms N543S, N511S.
Identifiers: ClinVar variation 1954595 (VCV001954595.6), dbSNP rs370333440, ClinGen allele CA7700168.